The following is an entry in ClinVar:

NM_152424.4(AMER1):c.876G>C (p.Lys292Asn)

Gene: AMER1 (APC membrane recruitment protein 1; minus strand). Cytogenetic location: Xq11.2.
Variant type: single nucleotide variant.
Coding change: c.876G>C on transcript NM_152424.4 (MANE Select); coding-DNA position 876, G replaced by C.
Protein change: p.Lys292Asn; replaces lysine 292 with asparagine.
Molecular consequence: missense variant.
Genome position (GRCh38, 1-based): chrX:64,192,411, C>G on the plus strand (G>C on the coding strand, the complement: AMER1 is on the minus strand). VCF-style: chrX-64192411-C-G. GRCh37 (hg19) VCF-style: chrX-63412291-C-G.
Other names: short protein forms K292N.
Identifiers: ClinVar variation 133502 (VCV000133502.12), dbSNP rs138948924, ClinGen allele CA156706.
Genomic context (GRCh38, chrX:64,192,411, plus strand): 5'-CAAGAGGCTCAGTGGGTCCCCCACAGGGCCATTGGGTGGGTTTACCTCTCCTGCTACTAC[C>G]TTCTCCCCTGTTTCTGGGCTATGGGGCTCCTCTAGGCTACTGGCTTCAGGGGCAGGCTTG-3'
Protein context (NP_689637.3, residues 282-302): EEPHSPETGE[Lys292Asn]VVAGEVNPPN

ClinVar aggregate classification (germline): Benign. Review status: criteria provided, multiple submitters, no conflicts (2 of 4 stars). 3 submissions from 3 submitters: Benign (2). 1 of the submissions does not count toward it. Last evaluated 2026-01-28.

Allele frequency attached by ClinVar (database versions not stated): gnomAD exomes 0.00127 and 0.00373; ExAC 0.00494; 1000 Genomes Project 0.01139; 1000 Genomes Project 30x 0.01186; gnomAD 0.01299 and 0.01385; TOPMed 0.01516; ESP Exome Variant Server 0.01742.
gnomAD v4.1: 2,931 of 1,210,497 alleles (0.24%); highest among the groups gnomAD compares: African/African-American, 4.6%; 41 homozygotes.

Submissions (3):

Labcorp Genetics (formerly Invitae), Labcorp
Classification: Benign. Last evaluated: 2026-01-28. Review status: criteria provided, single submitter. Criteria: Invitae Variant Classification Sherloc (09022015). Collection method: clinical testing. Allele origin: germline.

Breakthrough Genomics
Classification: Benign. Review status: criteria provided, single submitter. Criteria: ACMG Guidelines, 2015. Collection method: not provided. Allele origin: germline. Inheritance: X-linked inheritance. Affected: yes.

ITMI
No classification provided. Condition: AllHighlyPenetrant. Last evaluated: 2013-09-19. Review status: no classification provided. Collection method: reference population. Allele origin: germline. Not counted in ClinVar's aggregate classification.
Comment: Please see associated publication for description of ethnicities

Literature cited by the submitters: PubMed 24728327 (cited by ITMI).